The following is an entry in ClinVar:

NM_004260.4(RECQL4):c.2657G>A (p.Ser886Asn)

Gene: RECQL4 (RecQ like helicase 4; minus strand). Cytogenetic location: 8q24.3.
Variant type: single nucleotide variant.
Coding change: c.2657G>A on transcript NM_004260.4 (MANE Select); coding-DNA position 2657, G replaced by A.
Protein change: p.Ser886Asn; replaces serine 886 with asparagine.
Molecular consequence: missense variant. On other transcripts: non-coding transcript variant (3).
Genome position (GRCh38, 1-based): chr8:144,512,945, C>T on the plus strand (G>A on the coding strand, the complement: RECQL4 is on the minus strand). VCF-style: chr8-144512945-C-T. GRCh37 (hg19) VCF-style: chr8-145738328-C-T.
Other names: c.2363G>A, p.Ser788Asn (NM_001413017.1); c.2459G>A, p.Ser820Asn (NM_001413018.1); c.2657G>A, p.Ser886Asn (NM_001413019.1, NM_001413036.1); c.2561G>A, p.Ser854Asn (NM_001413020.1); c.1586G>A, p.Ser529Asn (NM_001413021.1, NM_001413022.1, NM_001413023.1 and 5 more transcripts); c.2528G>A, p.Ser843Asn (NM_001413025.1); c.1520G>A, p.Ser507Asn (NM_001413027.1, NM_001413030.1, NM_001413032.1 and 1 more transcripts); c.2306G>A, p.Ser769Asn (NM_001413029.1); and 6 more; short protein forms S769N, S842N, S876N, S485N, S788N, S886N, S397N, S507N.
Identifiers: ClinVar variation 2900071 (VCV002900071.3), dbSNP rs1416037396, ClinGen allele CA372675593.

ClinVar aggregate classification (germline): Uncertain significance (1 of 4 stars; one submission).

Conditions:
Baller-Gerold syndrome (BGS). Also called: CRANIOSYNOSTOSIS WITH RADIAL DEFECTS. Identifiers: Orphanet 1225, MedGen C0265308, MONDO:0009039, OMIM 218600.

Submission:

Labcorp Genetics (formerly Invitae), Labcorp
Classification: Uncertain significance for Baller-Gerold syndrome. Last evaluated: 2023-02-20. Review status: criteria provided, single submitter. Criteria: Invitae Variant Classification Sherloc (09022015). Collection method: clinical testing. Allele origin: germline.
Comment: This sequence change replaces serine, which is neutral and polar, with asparagine, which is neutral and polar, at codon 886 of the RECQL4 protein (p.Ser886Asn). In summary, the available evidence is currently insufficient to determine the role of this variant in disease. Therefore, it has been classified as a Variant of Uncertain Significance. Advanced modeling of protein sequence and biophysical properties (such as structural, functional, and spatial information, amino acid conservation, physicochemical variation, residue mobility, and thermodynamic stability) performed at Invitae indicates that this missense variant is not expected to disrupt RECQL4 protein function. This variant has not been reported in the literature in individuals affected with RECQL4-related conditions. This variant is not present in population databases (gnomAD no frequency).